The following is an entry in ClinVar:

NM_000222.3(KIT):c.1587C>T (p.Phe529=)

Gene: KIT (KIT proto-oncogene, receptor tyrosine kinase; plus strand). Cytogenetic location: 4q12.
Variant type: single nucleotide variant.
Coding change: c.1587C>T on transcript NM_000222.3 (MANE Select); coding-DNA position 1587, C replaced by T.
Protein change: p.Phe529=; no amino-acid change (phenylalanine 529 retained).
Molecular consequence: synonymous variant.
Genome position (GRCh38, 1-based): chr4:54,727,264, C>T. VCF-style: chr4-54727264-C-T. GRCh37 (hg19) VCF-style: chr4-55593430-C-T.
Other names: c.1575C>T, p.Phe525= (NM_001093772.2, NM_001385286.1); c.1590C>T, p.Phe530= (NM_001385284.1, NM_001385290.1); c.1587C>T, p.Phe529= (NM_001385285.1); c.1578C>T, p.Phe526= (NM_001385288.1, NM_001385292.1).
Identifiers: ClinVar variation 237247 (VCV000237247.21), dbSNP rs148248559, ClinGen allele CA2923526.

ClinVar aggregate classification (germline): Benign/Likely benign. Review status: criteria provided, multiple submitters, no conflicts (2 of 4 stars). 6 submissions from 6 submitters: Benign (1); Likely benign (4). 1 of the submissions does not count toward it. Last evaluated 2026-06-03.

Conditions:
KIT-related disorder. Also called: KIT-related condition.
Hereditary cancer-predisposing syndrome. Also called: Neoplastic Syndromes, Hereditary; Hereditary Cancer Syndrome; Tumor predisposition; Hereditary neoplastic syndrome. Identifiers: Orphanet 140162, MedGen C0027672, MeSH D009386, MONDO:0015356.
Gastrointestinal stromal tumor. Also called: Gastrointestinal stroma tumor; Gastrointestinal stromal tumor, somatic. Identifiers: Orphanet 44890, MedGen C0238198, MeSH D046152, MONDO:0011719, OMIM 606764, HP:0100723.

Allele frequency attached by ClinVar (database versions not stated): gnomAD exomes 0.00003 and 0.00007; ExAC 0.00006; ESP Exome Variant Server 0.00015; 1000 Genomes Project 30x 0.00125; 1000 Genomes Project 0.00100; TOPMed 0.00111; gnomAD 0.00048 and 0.00049.
gnomAD v4.1: 145 of 1,614,110 alleles (0.009%); highest among the groups gnomAD compares: Admixed American, 0.16%; no homozygotes.

Submissions (6):

Myriad Genetics, Inc.
Classification: Benign for Gastrointestinal stromal tumor. Last evaluated: 2026-06-03. Review status: criteria provided, single submitter. Criteria: Myriad Autosomal Dominant, Autosomal Recessive and X-Linked Classification Criteria (2023). Collection method: clinical testing. Allele origin: unknown.
Comment: This variant is considered benign. This variant is a silent/synonymous amino acid change and it is not expected to impact splicing.

Labcorp Genetics (formerly Invitae), Labcorp
Classification: Likely benign for Gastrointestinal stromal tumor. Last evaluated: 2026-01-28. Review status: criteria provided, single submitter. Criteria: Invitae Variant Classification Sherloc (09022015). Collection method: clinical testing. Allele origin: germline.

Blueprint Genetics
Classification: Likely benign. Last evaluated: 2022-09-09. Review status: criteria provided, single submitter. Criteria: ACMG Guidelines, 2015. Collection method: clinical testing. Allele origin: germline.

Sema4
Classification: Likely benign for Hereditary cancer-predisposing syndrome. Last evaluated: 2020-12-27. Review status: criteria provided, single submitter. Criteria: Sema4 Curation Guidelines. Collection method: curation. Allele origin: germline.

Ambry Genetics
Classification: Likely benign for Hereditary cancer-predisposing syndrome. Last evaluated: 2019-10-31. Review status: criteria provided, single submitter. Criteria: Ambry Variant Classification Scheme 2023. Collection method: clinical testing. Allele origin: germline.

PreventionGenetics, part of Exact Sciences
Classification: Likely benign for KIT-related condition. Last evaluated: 2019-02-20. Review status: no assertion criteria provided. Collection method: clinical testing. Allele origin: germline. Not counted in ClinVar's aggregate classification.
Comment: This variant is classified as likely benign based on ACMG/AMP sequence variant interpretation guidelines (Richards et al. 2015 PMID: 25741868, with internal and published modifications).